The following is an entry in ClinVar:

ClinVar aggregate classification (germline): Uncertain significance (1 of 4 stars; one submission).

Conditions:
DICER1-related tumor predisposition. Also called: DICER1-related pleuropulmonary blastoma cancer predisposition syndrome; DICER1 syndrome. Identifiers: Orphanet 284343, MedGen C3839822, MONDO:0100216.

Submission:

Labcorp Genetics (formerly Invitae), Labcorp
Classification: Uncertain significance for DICER1-related tumor predisposition. Last evaluated: 2025-04-01. Review status: criteria provided, single submitter. Criteria: Invitae Variant Classification Sherloc (09022015). Collection method: clinical testing. Allele origin: germline.
Comment: This sequence change replaces valine, which is neutral and non-polar, with isoleucine, which is neutral and non-polar, at codon 129 of the DICER1 protein (p.Val129Ile). This variant is not present in population databases (gnomAD no frequency). This variant has not been reported in the literature in individuals affected with DICER1-related conditions. Invitae Evidence Modeling of protein sequence and biophysical properties (such as structural, functional, and spatial information, amino acid conservation, physicochemical variation, residue mobility, and thermodynamic stability) indicates that this missense variant is not expected to disrupt DICER1 protein function with a negative predictive value of 95%. In summary, the available evidence is currently insufficient to determine the role of this variant in disease. Therefore, it has been classified as a Variant of Uncertain Significance.

NM_177438.3(DICER1):c.385G>A (p.Val129Ile)

Gene: DICER1 (dicer 1, ribonuclease III; minus strand). Cytogenetic location: 14q32.13.
Variant type: single nucleotide variant.
Coding change: c.385G>A on transcript NM_177438.3 (MANE Select); coding-DNA position 385, G replaced by A.
Protein change: p.Val129Ile; replaces valine 129 with isoleucine.
Molecular consequence: missense variant. On other transcripts: 5 prime UTR variant (2), non-coding transcript variant (5), intron variant (6).
Genome position (GRCh38, 1-based): chr14:95,131,562, C>T on the plus strand (G>A on the coding strand, the complement: DICER1 is on the minus strand). VCF-style: chr14-95131562-C-T. GRCh37 (hg19) VCF-style: chr14-95597899-C-T.
Other names: c.385G>A, p.Val129Ile (NM_001195573.1, NM_001271282.3, NM_001291628.2 and 14 more transcripts); c.103G>A, p.Val35Ile (NM_001395686.1); c.-74G>A (NM_001395691.1); c.-1184G>A (NM_001395697.1); c.33+953G>A (NM_001395690.1, NM_001395687.1, NM_001395689.1 and 3 more transcripts); short protein forms V129I, V35I.
Identifiers: ClinVar variation 4746831 (VCV004746831.1).